The following is an entry in ClinVar:

GRCh38/hg38 Xq26.2(chrX:131591104-132007390)x2

Genes: FIRRE (firre intergenic repeating RNA element; minus strand), LOC113875010 (Sharpr-MPRA regulatory region 5272; plus strand), LOC113875011 (Sharpr-MPRA regulatory region 4069; plus strand), LOC121627980 (Sharpr-MPRA regulatory region 13451; plus strand), LOC121627981 (Sharpr-MPRA regulatory region 13107; plus strand) and 24 more. Cytogenetic location: Xq26.2.
Variant type: copy number gain.
Change: copy number 2 of chrX:131,591,104-132,007,390 (416.3 kb, GRCh38 coordinates, 1-based), cytogenetic band Xq26.2.
Identifiers: ClinVar variation 57300 (VCV000057300.1).

ClinVar aggregate classification (germline): Uncertain significance (1 of 4 stars; one submission).

Submission:

ISCA site 4
Classification: Uncertain significance. Last evaluated: 2011-08-12. Review status: criteria provided, single submitter. Criteria: Kaminsky et al. (Genet Med. 2011). Collection method: clinical testing. Allele origin: unknown. Affected: yes. Observed: 1 variant allele.
Comment: Copy number variation identified through the course of routine clinical cytogenomic testing in postnatal populations. Clinical assertions have been curated as described in Kaminsky et al. 2011.